The following is an entry in ClinVar:

NM_206926.2(SELENON):c.1536C>T (p.Ile512=)

Gene: SELENON (selenoprotein N; plus strand). Cytogenetic location: 1p36.11.
Variant type: single nucleotide variant.
Coding change: c.1536C>T on transcript NM_206926.2 (MANE Select); coding-DNA position 1536, C replaced by T.
Protein change: p.Ile512=; no amino-acid change (isoleucine 512 retained).
Molecular consequence: synonymous variant.
Genome position (GRCh38, 1-based): chr1:25,815,583, C>T. VCF-style: chr1-25815583-C-T. GRCh37 (hg19) VCF-style: chr1-26142074-C-T.
Other names: c.1638C>T, p.Ile546= (NM_020451.3).
Identifiers: ClinVar variation 383990 (VCV000383990.60), dbSNP rs201066183, ClinGen allele CA696963.

ClinVar aggregate classification (germline): Conflicting classifications of pathogenicity. Review status: criteria provided, conflicting classifications (1 of 4 stars). 4 submissions from 4 submitters: Uncertain significance (1); Likely benign (3). Last evaluated 2026-01-22.

Conditions:
Eichsfeld type congenital muscular dystrophy (CMYO3). Also called: Rigid spine muscular dystrophy 1; SELENON-related myopathy; Congenital myopathy 3 with rigid spine; MYOPATHY, SEPN1-RELATED. Identifiers: MedGen C0410180, MONDO:0100100, OMIM 602771.

Allele frequency attached by ClinVar (database versions not stated): 1000 Genomes Project 30x 0.00016; ExAC 0.00017; gnomAD 0.00017; gnomAD exomes 0.00018; TOPMed 0.00018; 1000 Genomes Project 0.00020; ESP Exome Variant Server 0.00024.
gnomAD v4.1: 360 of 1,614,208 alleles (0.022%); highest among the groups gnomAD compares: Non-Finnish European, 0.029%; no homozygotes.

Submissions (4):

Labcorp Genetics (formerly Invitae), Labcorp
Classification: Likely benign for Eichsfeld type congenital muscular dystrophy. Last evaluated: 2026-01-22. Review status: criteria provided, single submitter. Criteria: Invitae Variant Classification Sherloc (09022015). Collection method: clinical testing. Allele origin: germline.

Blueprint Genetics
Classification: Likely benign. Last evaluated: 2023-11-10. Review status: criteria provided, single submitter. Criteria: ACMG Guidelines, 2015. Collection method: clinical testing. Allele origin: germline.

GeneDx
Classification: Likely benign. Last evaluated: 2016-12-06. Review status: criteria provided, single submitter. Criteria: GeneDx Variant Classification (06012015). Collection method: clinical testing. Allele origin: germline. Affected: yes.
Comment: This variant is considered likely benign or benign based on one or more of the following criteria: it is a conservative change, it occurs at a poorly conserved position in the protein, it is predicted to be benign by multiple in silico algorithms, and/or has population frequency not consistent with disease.

CeGaT Center for Human Genetics Tuebingen
Classification: Uncertain significance. Last evaluated: 2016-04-01. Review status: criteria provided, single submitter. Criteria: CeGaT Center For Human Genetics Tuebingen Variant Classification Criteria Version 2. Collection method: clinical testing. Allele origin: germline. Affected: yes. Observed: 1 variant allele.